The following is an entry in ClinVar:

NM_001122659.3(EDNRB):c.1172A>G (p.Lys391Arg)

Genes: EDNRB (endothelin receptor type B; minus strand), EDNRB-AS1 (EDNRB antisense RNA 1; plus strand). Cytogenetic location: 13q22.3.
Variant type: single nucleotide variant.
Coding change: c.1172A>G on transcript NM_001122659.3 (MANE Select); coding-DNA position 1172, A replaced by G.
Protein change: p.Lys391Arg; replaces lysine 391 with arginine.
Molecular consequence: missense variant.
Genome position (GRCh38, 1-based): chr13:77,899,881, T>C on the plus strand (A>G on the coding strand, the complement: EDNRB is on the minus strand). VCF-style: chr13-77899881-T-C. GRCh37 (hg19) VCF-style: chr13-78474016-T-C.
Other names: c.1172A>G, p.Lys391Arg (NM_000115.5, NM_003991.4); c.1442A>G, p.Lys481Arg (NM_001201397.2); short protein forms K481R, K391R.
Identifiers: ClinVar variation 2298395 (VCV002298395.3), dbSNP rs773530703, ClinGen allele CA7012175.

ClinVar aggregate classification (germline): Uncertain significance. Review status: criteria provided, multiple submitters, no conflicts (2 of 4 stars). 2 submissions from 2 submitters: Uncertain significance (2). Last evaluated 2025-08-01.

Conditions:
Inborn genetic diseases. Identifiers: MedGen C0950123, MeSH D030342.

Allele frequency attached by ClinVar (database versions not stated): gnomAD 0.00002; gnomAD exomes 0.00002; TOPMed 0.00002; ExAC 0.00007.
gnomAD v4.1: 13 of 1,611,702 alleles (0.00081%); highest among the groups gnomAD compares: East Asian, 0.022%; no homozygotes.

Submissions (2):

Labcorp Genetics (formerly Invitae), Labcorp
Classification: Uncertain significance. Last evaluated: 2025-08-01. Review status: criteria provided, single submitter. Criteria: Invitae Variant Classification Sherloc (09022015). Collection method: clinical testing. Allele origin: germline.
Comment: This sequence change replaces lysine, which is basic and polar, with arginine, which is basic and polar, at codon 391 of the EDNRB protein (p.Lys391Arg). This variant is present in population databases (rs773530703, gnomAD 0.07%). This variant has not been reported in the literature in individuals affected with EDNRB-related conditions. ClinVar contains an entry for this variant (Variation ID: 2298395). Invitae Evidence Modeling of protein sequence and biophysical properties (such as structural, functional, and spatial information, amino acid conservation, physicochemical variation, residue mobility, and thermodynamic stability) indicates that this missense variant is not expected to disrupt EDNRB protein function with a negative predictive value of 80%. In summary, the available evidence is currently insufficient to determine the role of this variant in disease. Therefore, it has been classified as a Variant of Uncertain Significance.

Ambry Genetics
Classification: Uncertain significance for Inborn genetic diseases. Last evaluated: 2022-06-28. Review status: criteria provided, single submitter. Criteria: Ambry Variant Classification Scheme 2023. Collection method: clinical testing. Allele origin: germline.